The following is an entry in ClinVar:

ClinVar aggregate classification (germline): Benign. Review status: reviewed by expert panel (3 of 4 stars). 12 submissions from 12 submitters: Benign (1). 11 of the submissions do not count toward it. Last evaluated 2015-08-10.

Conditions:
BRCA1-related disorder. Also called: BRCA1-related condition.
Hereditary cancer-predisposing syndrome. Also called: Hereditary Cancer Syndrome; Tumor predisposition; Neoplastic Syndromes, Hereditary; Hereditary neoplastic syndrome. Identifiers: Orphanet 140162, MedGen C0027672, MeSH D009386, MONDO:0015356.
Hereditary breast ovarian cancer syndrome. Also called: Breast and ovarian cancer; BRCA1- and BRCA2-Associated Hereditary Breast and Ovarian Cancer; Hereditary breast and ovarian cancer; Hereditary breast and ovarian cancer syndrome (HBOC); Hereditary breast and ovarian cancer syndrome; Hereditary breast and/or ovarian cancer syndrome. Identifiers: Orphanet 145, MedGen C0677776, MeSH D061325, MONDO:0003582. Disease mechanism: loss of function.
Breast-ovarian cancer, familial, susceptibility to, 1 (BROVCA1). Also called: BRCA1 Hereditary Breast and Ovarian Cancer; OVARIAN CANCER, SUSCEPTIBILITY TO. Identifiers: Orphanet 145, MedGen C2676676, MONDO:0011450, OMIM 604370. Disease mechanism: loss of function.

Allele frequency attached by ClinVar (database versions not stated): ExAC 0.00002; gnomAD 0.00002 and 0.00003; gnomAD exomes 0.00002 and 0.00007; TOPMed 0.00004; ESP Exome Variant Server 0.00008.
gnomAD v4.1: 114 of 1,613,776 alleles (0.0071%); highest among the groups gnomAD compares: Non-Finnish European, 0.0084%; no homozygotes.

Submissions (12):

Evidence-based Network for the Interpretation of Germline Mutant Alleles (ENIGMA)
Classification: Benign for Breast-ovarian cancer, familial 1. Last evaluated: 2015-08-10. Review status: reviewed by expert panel. Criteria: ENIGMA BRCA1/2 Classification Criteria (2015). Collection method: curation. Allele origin: germline.
Comment: IARC class based on posterior probability from multifactorial likelihood analysis, thresholds for class as per Plon et al. 2008 (PMID: 18951446). Class 1 based on posterior probability = 0.000000271

Labcorp Genetics (formerly Invitae), Labcorp
Classification: Benign for Hereditary breast ovarian cancer syndrome. Last evaluated: 2025-12-10. Review status: criteria provided, single submitter. Criteria: Invitae Variant Classification Sherloc (09022015). Collection method: clinical testing. Allele origin: germline. Not counted in ClinVar's aggregate classification.

Blueprint Genetics
Classification: Likely benign. Last evaluated: 2023-06-26. Review status: criteria provided, single submitter. Criteria: ACMG Guidelines, 2015. Collection method: clinical testing. Allele origin: germline. Not counted in ClinVar's aggregate classification.

Sema4
Classification: Likely benign for Hereditary cancer-predisposing syndrome. Last evaluated: 2021-10-22. Review status: criteria provided, single submitter. Criteria: Sema4 Curation Guidelines. Collection method: curation. Allele origin: germline. Not counted in ClinVar's aggregate classification.

GeneDx
Classification: Likely benign. Last evaluated: 2021-03-09. Review status: criteria provided, single submitter. Criteria: GeneDx Variant Classification Process June 2021. Collection method: clinical testing. Allele origin: germline. Affected: yes. Not counted in ClinVar's aggregate classification.
Comment: This variant is associated with the following publications: (PMID: 17924331, 19471317, 21990134, 18824701, 22753008, 18273839, 16267036, 23893897, 25348012, 18703817, 22045683)

CeGaT Center for Human Genetics Tuebingen
Classification: Likely benign. Last evaluated: 2020-07-01. Review status: criteria provided, single submitter. Criteria: CeGaT Center For Human Genetics Tuebingen Variant Classification Criteria Version 2. Collection method: clinical testing. Allele origin: germline. Affected: yes. Observed: 1 variant allele. Not counted in ClinVar's aggregate classification.

Ambry Genetics
Classification: Benign for Hereditary cancer-predisposing syndrome. Last evaluated: 2019-05-22. Review status: criteria provided, single submitter. Criteria: Ambry Variant Classification Scheme 2023. Collection method: clinical testing. Allele origin: germline. Not counted in ClinVar's aggregate classification.

Women's Health and Genetics/Laboratory Corporation of America, LabCorp
Classification: Benign. Last evaluated: 2017-04-24. Review status: criteria provided, single submitter. Criteria: LabCorp Variant Classification Summary - May 2015. Collection method: clinical testing. Allele origin: germline. Not counted in ClinVar's aggregate classification.
Comment: Variant summary: The BRCA1 c.1001C>T (p.Pro334Leu) variant involves the alteration of a non-conserved nucleotide and is predicted to be damaging by 3/5 in silico tools. 4/5 splice prediction tools predict no significant impact on normal splicing. ESE finder predicts that this variant may affect binding of multiple ESE sites. Functional studies show the variant to not affect splicing (Anczukow_2008, Caux-Moncoutier_2009). This variant was found in 2/121404 control chromosomes from ExAC at a frequency of 0.0000165, which does not exceed the estimated maximal expected allele frequency of a pathogenic BRCA1 variant (0.0010005); however, it could still be a rare polymorphism. The variant has been reported in multiple affected individuals via publications and databases, including co-occurrence with other BRCA1 pathogenic variants in other allele (in trans), 2120insA (Judkins_2005), c.66_67delAG (BIC), and an unspecified deleterious variant (Spearman_2008), strongly supporting for benign outcome. In addition, multiple clinical diagnostic laboratories/reputable databases have classified this variant as benign. Taken together, this variant is classified as Benign.

Color Diagnostics, LLC DBA Color Health
Classification: Benign for Hereditary cancer-predisposing syndrome. Last evaluated: 2016-06-13. Review status: criteria provided, single submitter. Criteria: ACMG Guidelines, 2015. Collection method: clinical testing. Allele origin: germline. Not counted in ClinVar's aggregate classification.

PreventionGenetics, part of Exact Sciences
Classification: Benign for BRCA1-related condition. Last evaluated: 2020-02-27. Review status: no assertion criteria provided. Collection method: clinical testing. Allele origin: germline. Not counted in ClinVar's aggregate classification.
Comment: This variant is classified as benign based on ACMG/AMP sequence variant interpretation guidelines (Richards et al. 2015 PMID: 25741868, with internal and published modifications).

Counsyl
Classification: Likely benign for Breast-ovarian cancer, familial, susceptibility to, 1. Last evaluated: 2017-02-21. Review status: no assertion criteria provided. Collection method: clinical testing. Allele origin: unknown. Not counted in ClinVar's aggregate classification.

Breast Cancer Information Core (BIC) (BRCA1)
Classification: Benign for Breast-ovarian cancer, familial 1. Last evaluated: 2002-05-29. Review status: no assertion criteria provided. Collection method: clinical testing. Allele origin: germline. Affected: yes. Observed: 9 variant alleles. Not counted in ClinVar's aggregate classification.

Literature cited by the submitters: PubMed 21990134 (cited by Evidence-based Network for the Interpretation of Germline Mutant Alleles (ENIGMA) and Women's Health and Genetics/Laboratory Corporation of America, LabCorp); PubMed 18951449 (cited by Women's Health and Genetics/Laboratory Corporation of America, LabCorp); PubMed 18273839 (cited by Women's Health and Genetics/Laboratory Corporation of America, LabCorp and Counsyl); PubMed 17924331 (cited by Women's Health and Genetics/Laboratory Corporation of America, LabCorp); PubMed 22753008 (cited by Women's Health and Genetics/Laboratory Corporation of America, LabCorp); PubMed 15385441 (cited by Women's Health and Genetics/Laboratory Corporation of America, LabCorp); PubMed 16267036 (cited by Women's Health and Genetics/Laboratory Corporation of America, LabCorp); PubMed 18703817 (cited by Women's Health and Genetics/Laboratory Corporation of America, LabCorp and Counsyl); PubMed 19471317 (cited by Women's Health and Genetics/Laboratory Corporation of America, LabCorp and Counsyl); PubMed 18824701 (cited by Women's Health and Genetics/Laboratory Corporation of America, LabCorp and Counsyl).

NM_007294.4(BRCA1):c.1001C>T (p.Pro334Leu)

Gene: BRCA1 (BRCA1 DNA repair associated; minus strand). Cytogenetic location: 17q21.31.
Variant type: single nucleotide variant.
Coding change: c.1001C>T on transcript NM_007294.4 (MANE Select); coding-DNA position 1001, C replaced by T.
Protein change: p.Pro334Leu; replaces proline 334 with leucine.
Molecular consequence: missense variant. On other transcripts: intron variant (137).
Genome position (GRCh38, 1-based): chr17:43,094,530, G>A on the plus strand (C>T on the coding strand, the complement: BRCA1 is on the minus strand). VCF-style: chr17-43094530-G-A. GRCh37 (hg19) VCF-style: chr17-41246547-G-A.
Other names: p.P334L:CCC>CTC; 1120C>T; c.788C>T, p.Pro263Leu (NM_001407571.1, NM_001407853.1, NM_001407894.1 and 9 more transcripts); c.1001C>T, p.Pro334Leu (NM_001407581.1, NM_001407582.1, NM_001407583.1 and 30 more transcripts); c.998C>T, p.Pro333Leu (NM_001407587.1, NM_001407590.1, NM_001407591.1 and 22 more transcripts); c.923C>T, p.Pro308Leu (NM_001407658.1, NM_001407663.1, NM_001407653.1 and 4 more transcripts); c.920C>T, p.Pro307Leu (NM_001407659.1, NM_001407660.1, NM_001407661.1 and 1 more transcripts); c.878C>T, p.Pro293Leu (NM_001407664.1, NM_001407665.1, NM_001407666.1 and 19 more transcripts); and 42 more; short protein forms P334L, P287L, P286L, P292L, P333L, P166L, P206L, P223L.
Identifiers: ClinVar variation 54099 (VCV000054099.57), dbSNP rs41286290, ClinGen allele CA000679.